The following is an entry in ClinVar:

ClinVar aggregate classification (germline): Uncertain significance. Review status: criteria provided, single submitter (1 of 4 stars). 2 submissions from 2 submitters: Uncertain significance (1). 1 of the submissions does not count toward it. Last evaluated 2021-08-31.

Conditions:
Athabaskan severe combined immunodeficiency (SCIDA). Also called: Severe combined immunodeficiency, athabascan-type. Identifiers: MedGen C1865370.
Severe combined immunodeficiency due to DCLRE1C deficiency (RS-SCID). Also called: SCID, AUTOSOMAL RECESSIVE, T CELL-NEGATIVE, B CELL-NEGATIVE, NK CELL-POSITIVE, WITH SENSITIVITY TO IONIZING RADIATION. Identifiers: Orphanet 275, MedGen C1865371, MONDO:0011225, OMIM 602450.

Allele frequency attached by ClinVar (database versions not stated): gnomAD exomes below 0.00001 and 0.00001; TOPMed 0.00001.
gnomAD v4.1: 3 of 1,614,186 alleles (0.00019%); highest among the groups gnomAD compares: Admixed American, 0.0033%; no homozygotes.

Submissions (2):

Labcorp Genetics (formerly Invitae), Labcorp
Classification: Uncertain significance for Athabaskan severe combined immunodeficiency. Last evaluated: 2021-08-31. Review status: criteria provided, single submitter. Criteria: Invitae Variant Classification Sherloc (09022015). Collection method: clinical testing. Allele origin: germline.
Comment: This sequence change replaces valine with isoleucine at codon 595 of the DCLRE1C protein (p.Val595Ile). The valine residue is weakly conserved and there is a small physicochemical difference between valine and isoleucine. This variant is not present in population databases (ExAC no frequency). This variant has not been reported in the literature in individuals affected with DCLRE1C-related conditions. Algorithms developed to predict the effect of missense changes on protein structure and function output the following: SIFT: "Tolerated"; PolyPhen-2: "Benign"; Align-GVGD: "Class C0". The isoleucine amino acid residue is found in multiple mammalian species, which suggests that this missense change does not adversely affect protein function. In summary, the available evidence is currently insufficient to determine the role of this variant in disease. Therefore, it has been classified as a Variant of Uncertain Significance.

Natera, Inc.
Classification: Uncertain significance for Athabascan severe combined immunodeficiency. Last evaluated: 2020-03-25. Review status: no assertion criteria provided. Collection method: clinical testing. Allele origin: germline. Not counted in ClinVar's aggregate classification.

NM_001033855.3(DCLRE1C):c.1783G>A (p.Val595Ile)

Gene: DCLRE1C (DNA cross-link repair 1C; minus strand). Cytogenetic location: 10p13.
Variant type: single nucleotide variant.
Coding change: c.1783G>A on transcript NM_001033855.3 (MANE Select); coding-DNA position 1783, G replaced by A.
Protein change: p.Val595Ile; replaces valine 595 with isoleucine.
Molecular consequence: missense variant. On other transcripts: non-coding transcript variant (3), splice donor variant (3).
Genome position (GRCh38, 1-based): chr10:14,908,704, C>T on the plus strand (G>A on the coding strand, the complement: DCLRE1C is on the minus strand). VCF-style: chr10-14908704-C-T. GRCh37 (hg19) VCF-style: chr10-14950703-C-T.
Other names: c.1423G>A, p.Val475Ile (NM_001033857.3, NM_001033858.3, NM_001289077.2 and 1 more transcripts); c.1438G>A, p.Val480Ile (NM_001289076.2, NM_001289078.2, NM_022487.4); c.1437+1G>A (NM_001350966.2); c.1782+1G>A (NM_001350965.2); c.1422+1G>A (NM_001350967.2); short protein forms V475I, V480I, V595I.
Identifiers: ClinVar variation 843977 (VCV000843977.8), dbSNP rs1270446904, ClinGen allele CA376074604.